The following is an entry in ClinVar:

NM_138576.4(BCL11B):c.813G>C (p.Pro271=)

Gene: BCL11B (BCL11 transcription factor B; minus strand). Cytogenetic location: 14q32.2.
Variant type: single nucleotide variant.
Coding change: c.813G>C on transcript NM_138576.4 (MANE Select); coding-DNA position 813, G replaced by C.
Protein change: p.Pro271=; no amino-acid change (proline 271 retained).
Molecular consequence: synonymous variant.
Genome position (GRCh38, 1-based): chr14:99,176,023, C>G on the plus strand (G>C on the coding strand, the complement: BCL11B is on the minus strand). VCF-style: chr14-99176023-C-G. GRCh37 (hg19) VCF-style: chr14-99642360-C-G.
Other names: p.Pro271=; c.810G>C, p.Pro270= (NM_001282237.2); c.597G>C, p.Pro199= (NM_001282238.2); c.600G>C, p.Pro200= (NM_022898.3).
Identifiers: ClinVar variation 1166611 (VCV001166611.14), dbSNP rs1152783, ClinGen allele CA7339785.

ClinVar aggregate classification (germline): Benign. Review status: criteria provided, multiple submitters, no conflicts (2 of 4 stars). 5 submissions from 5 submitters: Benign (5). Last evaluated 2026-02-04.

Allele frequency attached by ClinVar (database versions not stated): ESP Exome Variant Server 0.16451; 1000 Genomes Project 0.24820; TOPMed 0.21533; 1000 Genomes Project 30x 0.24953.
gnomAD v4.1: 318,453 of 1,571,932 alleles (20%); highest among the groups gnomAD compares: Admixed American, 36%; 33,943 homozygotes.

Submissions (5):

Labcorp Genetics (formerly Invitae), Labcorp
Classification: Benign. Last evaluated: 2026-02-04. Review status: criteria provided, single submitter. Criteria: Invitae Variant Classification Sherloc (09022015). Collection method: clinical testing. Allele origin: germline.

Unidad de Genómica Garrahan, Hospital de Pediatría Garrahan
Classification: Benign. Last evaluated: 2024-01-24. Review status: criteria provided, single submitter. Criteria: ACMG Guidelines, 2015. Collection method: clinical testing. Allele origin: germline. Affected: no. Observed: 52 variant alleles.
Comment: This variant is classified as Benign based on local population frequency. This variant was detected in 55% of patients studied by a panel of primary immunodeficiencies. Number of patients: 52. Only high quality variants are reported.

Mayo Clinic Laboratories, Mayo Clinic
Classification: Benign. Last evaluated: 2022-09-06. Review status: criteria provided, single submitter. Criteria: ACMG Guidelines, 2015. Collection method: clinical testing. Allele origin: germline. Observed: 10 variant alleles.

GeneDx
Classification: Benign. Last evaluated: 2021-08-22. Review status: criteria provided, single submitter. Criteria: GeneDx Variant Classification Process June 2021. Collection method: clinical testing. Allele origin: germline. Affected: yes.

Breakthrough Genomics
Classification: Benign. Review status: criteria provided, single submitter. Criteria: ACMG Guidelines, 2015. Collection method: not provided. Allele origin: germline. Inheritance: Autosomal dominant inheritance. Affected: yes.